The following is an entry in ClinVar:

NM_006206.6(PDGFRA):c.411A>T (p.Leu137Phe)

Gene: PDGFRA (platelet derived growth factor receptor alpha; plus strand). Cytogenetic location: 4q12.
Variant type: single nucleotide variant.
Coding change: c.411A>T on transcript NM_006206.6 (MANE Select); coding-DNA position 411, A replaced by T.
Protein change: p.Leu137Phe; replaces leucine 137 with phenylalanine.
Molecular consequence: missense variant.
Genome position (GRCh38, 1-based): chr4:54,263,710, A>T. VCF-style: chr4-54263710-A-T. GRCh37 (hg19) VCF-style: chr4-55129877-A-T.
Other names: c.411A>T, p.Leu137Phe (NM_001347827.2, NM_001347829.2); c.486A>T, p.Leu162Phe (NM_001347828.2); c.450A>T, p.Leu150Phe (NM_001347830.2); short protein forms L137F, L150F, L162F.
Identifiers: ClinVar variation 3225308 (VCV003225308.1), dbSNP rs778364880, ClinGen allele CA356889736.

ClinVar aggregate classification (germline): Uncertain significance (1 of 4 stars; one submission).

Conditions:
Hereditary cancer-predisposing syndrome. Also called: Neoplastic Syndromes, Hereditary; Tumor predisposition; Hereditary neoplastic syndrome; Hereditary Cancer Syndrome. Identifiers: Orphanet 140162, MedGen C0027672, MeSH D009386, MONDO:0015356.

Submission:

Ambry Genetics
Classification: Uncertain significance for Hereditary cancer-predisposing syndrome. Last evaluated: 2023-10-31. Review status: criteria provided, single submitter. Criteria: Ambry Variant Classification Scheme 2023. Collection method: clinical testing. Allele origin: germline.
Comment: The p.L137F variant (also known as c.411A>T), located in coding exon 3 of the PDGFRA gene, results from an A to T substitution at nucleotide position 411. The leucine at codon 137 is replaced by phenylalanine, an amino acid with highly similar properties. This amino acid position is conserved. In addition, this alteration is predicted to be tolerated by in silico analysis. Since supporting evidence is limited at this time, the clinical significance of this alteration remains unclear.